The following is an entry in ClinVar:

ClinVar aggregate classification (germline): Pathogenic (1 of 4 stars; one submission).

Conditions:
Familial adenomatous polyposis 1 (FAP1). Also called: POLYPOSIS, ADENOMATOUS INTESTINAL; FAMILIAL ADENOMATOUS POLYPOSIS 1, ATTENUATED. Identifiers: MedGen C2713442, MONDO:0021056, OMIM 175100. Disease mechanism: loss of function.

Submission:

Labcorp Genetics (formerly Invitae), Labcorp
Classification: Pathogenic for Familial adenomatous polyposis 1. Last evaluated: 2021-04-15. Review status: criteria provided, single submitter. Criteria: Invitae Variant Classification Sherloc (09022015). Collection method: clinical testing. Allele origin: germline.
Comment: This sequence change creates a premature translational stop signal (p.Glu1576Lysfs*74) in the APC gene. While this is not anticipated to result in nonsense mediated decay, it is expected to disrupt the last 1,268 amino acid(s) of the APC protein. This variant is not present in population databases (ExAC no frequency). A different truncation (p.Tyr2645Lysfs*14) that lies downstream of this variant has been determined to be pathogenic (PMID: 9824584, 1316610, 27081525, 8381579, 22135120, Invitae). This suggests that deletion of this region of the APC protein is causative of disease. For these reasons, this variant has been classified as Pathogenic. This variant is expected to disrupt the EB1 and HDLG binding sites, which mediate interactions with the cytoskeleton (PMID: 15311282, 17293347). While functional studies have not been performed to directly test the effect on APC protein function, this suggests that disruption of the C-terminal portion of the protein is functionally important. This variant has not been reported in the literature in individuals with APC-related conditions.

Literature cited by the submitters: PubMed 9824584; PubMed 1316610; PubMed 27081525; PubMed 8381579; PubMed 22135120; PubMed 15311282; PubMed 17293347.

NM_000038.6(APC):c.4726del (p.Glu1576fs)

Gene: APC (APC regulator of Wnt signaling pathway; plus strand). Cytogenetic location: 5q22.2.
Variant type: Deletion.
Coding change: c.4726del on transcript NM_000038.6 (MANE Select); coding-DNA position 4726, one base deleted (G; older notation c.4726delG).
Protein change: p.Glu1576fs; shifts the reading frame from glutamic acid 1576.
Molecular consequence: frameshift variant.
Genome position (GRCh38, 1-based): chr5:112,840,320, G deleted. VCF-style (leftmost placement, unchanged base first): chr5-112840319-AG-A. GRCh37 (hg19) VCF-style: chr5-112176016-AG-A.
Other names: c.4726del, p.Glu1576fs (NM_001127510.3, NM_001354895.2); c.4672del, p.Glu1558fs (NM_001127511.3); c.4780del, p.Glu1594fs (NM_001354896.2); c.4756del, p.Glu1586fs (NM_001354897.2); c.4651del, p.Glu1551fs (NM_001354898.2); c.4642del, p.Glu1548fs (NM_001354899.2); c.4603del, p.Glu1535fs (NM_001354900.2); c.4549del, p.Glu1517fs (NM_001354901.2); and 5 more; short protein forms E1293fs, E1416fs, E1450fs, E1576fs, E1485fs, E1517fs, E1551fs, E1594fs.
Identifiers: ClinVar variation 1424558 (VCV001424558.8), dbSNP rs2149922204, ClinGen allele CA446206695.